The following is an entry in ClinVar:

ClinVar aggregate classification (germline): Uncertain significance (1 of 4 stars; one submission).

Submission:

Labcorp Genetics (formerly Invitae), Labcorp
Classification: Uncertain significance. Last evaluated: 2025-02-17. Review status: criteria provided, single submitter. Criteria: Invitae Variant Classification Sherloc (09022015). Collection method: clinical testing. Allele origin: germline.
Comment: This sequence change replaces glutamic acid, which is acidic and polar, with glycine, which is neutral and non-polar, at codon 100 of the EYS protein (p.Glu100Gly). This variant is not present in population databases (gnomAD no frequency). This variant has not been reported in the literature in individuals affected with EYS-related conditions. ClinVar contains an entry for this variant (Variation ID: 862441). Invitae Evidence Modeling of protein sequence and biophysical properties (such as structural, functional, and spatial information, amino acid conservation, physicochemical variation, residue mobility, and thermodynamic stability) indicates that this missense variant is not expected to disrupt EYS protein function with a negative predictive value of 80%. In summary, the available evidence is currently insufficient to determine the role of this variant in disease. Therefore, it has been classified as a Variant of Uncertain Significance.

NM_001142800.2(EYS):c.299A>G (p.Glu100Gly)

Gene: EYS (EGF-like photoreceptor maintenance factor; minus strand). Cytogenetic location: 6q12.
Variant type: single nucleotide variant.
Coding change: c.299A>G on transcript NM_001142800.2 (MANE Select); coding-DNA position 299, A replaced by G.
Protein change: p.Glu100Gly; replaces glutamic acid 100 with glycine.
Molecular consequence: missense variant.
Genome position (GRCh38, 1-based): chr6:65,495,112, T>C on the plus strand (A>G on the coding strand, the complement: EYS is on the minus strand). VCF-style: chr6-65495112-T-C. GRCh37 (hg19) VCF-style: chr6-66205005-T-C.
Other names: c.299A>G, p.Glu100Gly (NM_001142801.2, NM_001292009.2, NM_198283.2); short protein forms E100G.
Identifiers: ClinVar variation 862441 (VCV000862441.9), dbSNP rs1766201729, ClinGen allele CA364790215.